The following is an entry in ClinVar:

NM_001113378.2(FANCI):c.2280A>C (p.Ile760=)

Gene: FANCI (FA complementation group I; plus strand). Cytogenetic location: 15q26.1.
Variant type: single nucleotide variant.
Coding change: c.2280A>C on transcript NM_001113378.2 (MANE Select); coding-DNA position 2280, A replaced by C.
Protein change: p.Ile760=; no amino-acid change (isoleucine 760 retained).
Molecular consequence: synonymous variant.
Genome position (GRCh38, 1-based): chr15:89,293,052, A>C. VCF-style: chr15-89293052-A-C. GRCh37 (hg19) VCF-style: chr15-89836283-A-C.
Other names: c.2001A>C, p.Ile667= (NM_001376910.1); c.2280A>C, p.Ile760= (NM_001376911.1, NM_018193.3).
Identifiers: ClinVar variation 4874793 (VCV004874793.2).

ClinVar aggregate classification (germline): Likely benign (1 of 4 stars; one submission).

Submission:

CeGaT Center for Human Genetics Tuebingen
Classification: Likely benign. Last evaluated: 2026-04-01. Review status: criteria provided, single submitter. Criteria: CeGaT Center For Human Genetics Tuebingen Variant Classification Criteria Version 2. Collection method: clinical testing. Allele origin: germline. Affected: yes. Observed: 1 variant allele.
Comment: FANCI: PM2:Supporting, BP4, BP7